The following is an entry in ClinVar:

NM_024334.3(TMEM43):c.269A>G (p.His90Arg)

Gene: TMEM43 (transmembrane protein 43; plus strand). Cytogenetic location: 3p25.1.
Variant type: single nucleotide variant.
Coding change: c.269A>G on transcript NM_024334.3 (MANE Select); coding-DNA position 269, A replaced by G.
Protein change: p.His90Arg; replaces histidine 90 with arginine.
Molecular consequence: missense variant.
Genome position (GRCh38, 1-based): chr3:14,130,928, A>G. VCF-style: chr3-14130928-A-G. GRCh37 (hg19) VCF-style: chr3-14172428-A-G.
Other names: c.269A>G, p.His90Arg (NM_001407274.1, NM_001407275.1, NM_001407276.1 and 2 more transcripts); c.254A>G, p.His85Arg (NM_001407278.1); c.119A>G, p.His40Arg (NM_001407280.1); short protein forms H85R, H90R, H40R.
Identifiers: ClinVar variation 3631411 (VCV003631411.2).
Genomic context (GRCh38, chr3:14,130,928, plus strand): 5'-TTGTGGTGTCTCCCGACAGCATCCACAGTGTGGCTCCGGAGAATGAAGGAAGGCTGGTGC[A>G]CATCATTGGCGCCTTACGGACATCCAAGGTAGGTTTGGCAGGGGATGCTGACCTGCCAGT-3'
Protein context (NP_077310.1, residues 80-100): VAPENEGRLV[His90Arg]IIGALRTSKL

ClinVar aggregate classification (germline): Uncertain significance. Review status: criteria provided, multiple submitters, no conflicts (2 of 4 stars). 2 submissions from 2 submitters: Uncertain significance (2). Last evaluated 2026-03-31.

Conditions:
Arrhythmogenic right ventricular dysplasia 5. Also called: ARRHYTHMOGENIC RIGHT VENTRICULAR DYSPLASIA, FAMILIAL, 5; Arrhythmogenic Right Ventricular Dysplasia/Cardiomyopathy 5. Identifiers: MedGen C1858379, MONDO:0011459, OMIM 604400.

gnomAD v4.1: 5 of 1,613,076 alleles (0.00031%); highest among the groups gnomAD compares: Non-Finnish European, 0.00042%; no homozygotes.

Submissions (2):

GeneDx
Classification: Uncertain significance. Last evaluated: 2026-03-31. Review status: criteria provided, single submitter. Criteria: GeneDx Variant Classification Process June 2021. Collection method: clinical testing. Allele origin: germline.
Comment: Not observed at significant frequency in large population cohorts (gnomAD); In silico analysis supports that this missense variant has a deleterious effect on protein structure/function; Has not been previously published as pathogenic or benign to our knowledge

Labcorp Genetics (formerly Invitae), Labcorp
Classification: Uncertain significance for Arrhythmogenic right ventricular dysplasia 5. Last evaluated: 2024-05-23. Review status: criteria provided, single submitter. Criteria: Invitae Variant Classification Sherloc (09022015). Collection method: clinical testing. Allele origin: germline.
Comment: This sequence change replaces histidine, which is basic and polar, with arginine, which is basic and polar, at codon 90 of the TMEM43 protein (p.His90Arg). This variant is present in population databases (rs753528238, gnomAD 0.004%). This variant has not been reported in the literature in individuals affected with TMEM43-related conditions. Advanced modeling of protein sequence and biophysical properties (such as structural, functional, and spatial information, amino acid conservation, physicochemical variation, residue mobility, and thermodynamic stability) performed at Invitae indicates that this missense variant is expected to disrupt TMEM43 protein function with a positive predictive value of 80%. In summary, the available evidence is currently insufficient to determine the role of this variant in disease. Therefore, it has been classified as a Variant of Uncertain Significance.